The following is an entry in ClinVar:

NM_005733.3(KIF20A):c.2611C>T (p.Arg871Trp)

Gene: KIF20A (kinesin family member 20A; plus strand). Cytogenetic location: 5q31.2.
Variant type: single nucleotide variant.
Coding change: c.2611C>T on transcript NM_005733.3 (MANE Select); coding-DNA position 2611, C replaced by T.
Protein change: p.Arg871Trp; replaces arginine 871 with tryptophan.
Molecular consequence: missense variant.
Genome position (GRCh38, 1-based): chr5:138,187,351, C>T. VCF-style: chr5-138187351-C-T. GRCh37 (hg19) VCF-style: chr5-137523040-C-T.
Other names: short protein forms R871W.
Identifiers: ClinVar variation 3694429 (VCV003694429.2).

ClinVar aggregate classification (germline): Uncertain significance (1 of 4 stars; one submission).

Submission:

Labcorp Genetics (formerly Invitae), Labcorp
Classification: Uncertain significance. Last evaluated: 2024-08-20. Review status: criteria provided, single submitter. Criteria: Invitae Variant Classification Sherloc (09022015). Collection method: clinical testing. Allele origin: germline.
Comment: This sequence change replaces arginine, which is basic and polar, with tryptophan, which is neutral and slightly polar, at codon 871 of the KIF20A protein (p.Arg871Trp). This variant is present in population databases (rs759299825, gnomAD 0.01%). This variant has not been reported in the literature in individuals affected with KIF20A-related conditions. An algorithm developed to predict the effect of missense changes on protein structure and function (PolyPhen-2) suggests that this variant is likely to be disruptive. In summary, the available evidence is currently insufficient to determine the role of this variant in disease. Therefore, it has been classified as a Variant of Uncertain Significance.